The following is an entry in ClinVar:

NM_002880.4(RAF1):c.834+1790T>G

Gene: RAF1 (Raf-1 proto-oncogene, serine/threonine kinase; minus strand). Cytogenetic location: 3p25.2.
Variant type: single nucleotide variant.
Coding change: c.834+1790T>G on transcript NM_002880.4 (MANE Select); 1790 bases into the intron after coding-DNA position 834, T replaced by G.
Molecular consequence: intron variant.
Genome position (GRCh38, 1-based): chr3:12,602,346, A>C on the plus strand (T>G on the coding strand, the complement: RAF1 is on the minus strand). VCF-style: chr3-12602346-A-C. GRCh37 (hg19) VCF-style: chr3-12643845-A-C.
Other names: c.492+1790T>G (NM_001354695.3); c.591+1790T>G (NM_001354692.3, NM_001354691.3); c.651+1132T>G (NM_001354694.3); c.735+1790T>G (NM_001354693.3); c.894+1132T>G (NM_001354689.3); c.834+1790T>G (NM_001354690.3).
Identifiers: ClinVar variation 3898370 (VCV003898370.7).

ClinVar aggregate classification (germline): Likely benign (1 of 4 stars; one submission).

gnomAD v4.1: 155 of 152,352 alleles (0.1%); highest among the groups gnomAD compares: Non-Finnish European, 0.19%; no homozygotes.

Submission:

CeGaT Center for Human Genetics Tuebingen
Classification: Likely benign. Last evaluated: 2025-08-01. Review status: criteria provided, single submitter. Criteria: CeGaT Center For Human Genetics Tuebingen Variant Classification Criteria Version 2. Collection method: clinical testing. Allele origin: germline. Affected: yes. Observed: 2 variant alleles.
Comment: RAF1: BS1